The following is an entry in ClinVar:

NM_000135.4(FANCA):c.4274G>C (p.Arg1425Pro)

Genes: ZNF276 (zinc finger protein 276; plus strand), FANCA (FA complementation group A; minus strand). Cytogenetic location: 16q24.3.
Variant type: single nucleotide variant.
Coding change: c.4274G>C on transcript NM_000135.4 (MANE Select); coding-DNA position 4274, G replaced by C.
Protein change: p.Arg1425Pro; replaces arginine 1425 with proline.
Molecular consequence: missense variant. On other transcripts: 3 prime UTR variant (3), non-coding transcript variant (4).
Genome position (GRCh38, 1-based): chr16:89,738,695, C>G on the plus strand (G>C on the coding strand, the complement: FANCA is on the minus strand). VCF-style: chr16-89738695-C-G. GRCh37 (hg19) VCF-style: chr16-89805103-C-G.
Other names: c.*3G>C (NM_001286167.3); c.*449C>G (NM_001113525.2, NM_152287.4); short protein forms R1425P.
Identifiers: ClinVar variation 1396878 (VCV001396878.4), dbSNP rs147406377, ClinGen allele CA286613906.

ClinVar aggregate classification (germline): Uncertain significance (1 of 4 stars; one submission).

Conditions:
Fanconi anemia (FA). Also called: Fanconi's anemia. Identifiers: Orphanet 84, MedGen C0015625, MeSH D005199, MONDO:0019391.

gnomAD v4.1: 16 of 1,613,960 alleles (0.00099%); highest among the groups gnomAD compares: Non-Finnish European, 0.0014%; no homozygotes.

Submission:

Labcorp Genetics (formerly Invitae), Labcorp
Classification: Uncertain significance for Fanconi anemia. Last evaluated: 2025-07-30. Review status: criteria provided, single submitter. Criteria: Invitae Variant Classification Sherloc (09022015). Collection method: clinical testing. Allele origin: germline.
Comment: This sequence change replaces arginine, which is basic and polar, with proline, which is neutral and non-polar, at codon 1425 of the FANCA protein (p.Arg1425Pro). This variant is present in population databases (rs147406377, gnomAD 0.002%). This variant has not been reported in the literature in individuals affected with FANCA-related conditions. ClinVar contains an entry for this variant (Variation ID: 1396878). Invitae Evidence Modeling of protein sequence and biophysical properties (such as structural, functional, and spatial information, amino acid conservation, physicochemical variation, residue mobility, and thermodynamic stability) indicates that this missense variant is not expected to disrupt FANCA protein function with a negative predictive value of 95%. In summary, the available evidence is currently insufficient to determine the role of this variant in disease. Therefore, it has been classified as a Variant of Uncertain Significance.